The following is an entry in ClinVar:

NM_001267550.2(TTN):c.14367_14368insT (p.Thr4790fs)

Gene: TTN (titin; minus strand). Cytogenetic location: 2q31.2.
Variant type: Insertion.
Coding change: c.14367_14368insT on transcript NM_001267550.2 (MANE Select); coding-DNA positions 14367 to 14368, T inserted.
Protein change: p.Thr4790fs; shifts the reading frame from threonine 4790.
Molecular consequence: frameshift variant.
Genome position: GRCh38 VCF-style: chr2-178738085-T-TA. GRCh37 (hg19) VCF-style: chr2-179602812-T-TA.
Other names: c.13416_13417insT, p.Thr4473fs (NM_001256850.1); c.13278_13279insT, p.Thr4427fs (NM_003319.4); c.10635_10636insT, p.Thr3546fs (NM_133378.4); c.13653_13654insT, p.Thr4552fs (NM_133432.3); c.13854_13855insT, p.Thr4619fs (NM_133437.4); short protein forms T3546fs, T4427fs, T4552fs, T4619fs, T4790fs, T4473fs.
Identifiers: ClinVar variation 2951239 (VCV002951239.3), dbSNP rs2530523814, ClinGen allele CA2740096278.

ClinVar aggregate classification (germline): Likely pathogenic (1 of 4 stars; one submission).

Conditions:
Dilated cardiomyopathy 1G (CMD1G). Identifiers: Orphanet 154, MedGen C1858763, MONDO:0011400, OMIM 604145.
Autosomal recessive limb-girdle muscular dystrophy type 2J (LGMDR10). Also called: Limb-girdle muscular dystrophy, type 2J; MUSCULAR DYSTROPHY, LIMB-GIRDLE, AUTOSOMAL RECESSIVE 10. Identifiers: Orphanet 140922, MedGen C1837342, MONDO:0012127, OMIM 608807.

Submission:

Labcorp Genetics (formerly Invitae), Labcorp
Classification: Likely pathogenic for Dilated cardiomyopathy 1G; Autosomal recessive limb-girdle muscular dystrophy type 2J. Last evaluated: 2024-10-18. Review status: criteria provided, single submitter. Criteria: Invitae Variant Classification Sherloc (09022015). Collection method: clinical testing. Allele origin: germline.
Comment: This sequence change creates a premature translational stop signal (p.Thr4790Tyrfs*13) in the TTN gene. While this is not anticipated to result in nonsense mediated decay, it is expected to create a truncated TTN protein. This variant is not present in population databases (gnomAD no frequency). This variant has not been reported in the literature in individuals affected with TTN-related conditions. This variant is located in the I band of TTN (PMID: 25589632). Truncating variants in this region have been reported in individuals affected with autosomal recessive centronuclear myopathy (PMID: 23975875, internal data). Truncating variants in this region have also been identified in individuals affected with autosomal dominant dilated cardiomyopathy and/or cardio-related conditions (PMID: 27869827, 32964742, internal data). In summary, the currently available evidence indicates that the variant is pathogenic, but additional data are needed to prove that conclusively. Therefore, this variant has been classified as Likely Pathogenic.

Literature cited by the submitters: PubMed 25589632; PubMed 23975875; PubMed 27869827; PubMed 32964742.